The following is an entry in ClinVar:

ClinVar aggregate classification (germline): Uncertain significance (1 of 4 stars; one submission).

gnomAD v4.1: 24 of 1,613,804 alleles (0.0015%); highest among the groups gnomAD compares: South Asian, 0.025%; no homozygotes.

Submission:

GeneDx
Classification: Uncertain significance. Last evaluated: 2025-05-15. Review status: criteria provided, single submitter. Criteria: GeneDx Variant Classification Process June 2021. Collection method: clinical testing. Allele origin: germline. Affected: yes.
Comment: In silico analysis supports that this missense variant has a deleterious effect on protein structure/function; Has not been previously published as pathogenic or benign to our knowledge

NM_001692.4(ATP6V1B1):c.791A>T (p.Glu264Val)

Gene: ATP6V1B1 (ATPase H+ transporting V1 subunit B1; plus strand). Cytogenetic location: 2p13.3.
Variant type: single nucleotide variant.
Coding change: c.791A>T on transcript NM_001692.4 (MANE Select); coding-DNA position 791, A replaced by T.
Protein change: p.Glu264Val; replaces glutamic acid 264 with valine.
Molecular consequence: missense variant.
Genome position (GRCh38, 1-based): chr2:70,962,782, A>T. VCF-style: chr2-70962782-A-T. GRCh37 (hg19) VCF-style: chr2-71189912-A-T.
Other names: short protein forms E264V.
Identifiers: ClinVar variation 4529895 (VCV004529895.1).